The following is an entry in ClinVar:

ClinVar aggregate classification (germline): Uncertain significance (1 of 4 stars; one submission).

Conditions:
Charcot-Marie-Tooth disease type 2. Also called: Charcot-Marie-Tooth type 2. Identifiers: Orphanet 64746, MedGen C0270914, MONDO:0018993.

gnomAD v4.1: 1 of 1,614,120 alleles (0.000062%); highest among the groups gnomAD compares: Non-Finnish European, 0.000085%; no homozygotes.

Submission:

Labcorp Genetics (formerly Invitae), Labcorp
Classification: Uncertain significance for Charcot-Marie-Tooth disease type 2. Last evaluated: 2025-07-30. Review status: criteria provided, single submitter. Criteria: Invitae Variant Classification Sherloc (09022015). Collection method: clinical testing. Allele origin: germline.
Comment: This sequence change falls in intron 12 of the AARS gene. It does not directly change the encoded amino acid sequence of the AARS protein. It affects a nucleotide within the consensus splice site. This variant is not present in population databases (gnomAD no frequency). This variant has not been reported in the literature in individuals affected with AARS-related conditions. Variants that disrupt the consensus splice site are a relatively common cause of aberrant splicing (PMID: 17576681, 9536098). Algorithms developed to predict the effect of sequence changes on RNA splicing suggest that this variant is not likely to affect RNA splicing. In summary, the available evidence is currently insufficient to determine the role of this variant in disease. Therefore, it has been classified as a Variant of Uncertain Significance.

Literature cited by the submitters: PubMed 17576681; PubMed 9536098.

NM_001605.3(AARS1):c.1671+6C>G

Gene: AARS1 (alanyl-tRNA synthetase 1; minus strand). Cytogenetic location: 16q22.1.
Variant type: single nucleotide variant.
Coding change: c.1671+6C>G on transcript NM_001605.3 (MANE Select); 6 bases into the intron after coding-DNA position 1671, C replaced by G.
Molecular consequence: intron variant.
Genome position (GRCh38, 1-based): chr16:70,262,340, G>C on the plus strand (C>G on the coding strand, the complement: AARS1 is on the minus strand). VCF-style: chr16-70262340-G-C. GRCh37 (hg19) VCF-style: chr16-70296243-G-C.
Identifiers: ClinVar variation 4724348 (VCV004724348.1).